The following is an entry in ClinVar:

ClinVar aggregate classification (germline): Uncertain significance. Review status: criteria provided, multiple submitters, no conflicts (2 of 4 stars). 2 submissions from 2 submitters: Uncertain significance (2). Last evaluated 2021-08-02.

Conditions:
Inborn genetic diseases. Identifiers: MedGen C0950123, MeSH D030342.

Allele frequency attached by ClinVar (database versions not stated): TOPMed below 0.00001; gnomAD exomes 0.00001.

Submissions (2):

Ambry Genetics
Classification: Uncertain significance for Inborn genetic diseases. Last evaluated: 2021-08-02. Review status: criteria provided, single submitter. Criteria: Ambry Variant Classification Scheme 2023. Collection method: clinical testing. Allele origin: germline.

Labcorp Genetics (formerly Invitae), Labcorp
Classification: Uncertain significance. Last evaluated: 2021-02-18. Review status: criteria provided, single submitter. Criteria: Invitae Variant Classification Sherloc (09022015). Collection method: clinical testing. Allele origin: germline.
Comment: This sequence change replaces leucine with arginine at codon 327 of the WNT1 protein (p.Leu327Arg). The leucine residue is highly conserved and there is a moderate physicochemical difference between leucine and arginine. The frequency data for this variant in the population databases is considered unreliable, as metrics indicate insufficient coverage at this position in the ExAC database. This variant has not been reported in the literature in individuals with WNT1-related conditions. Algorithms developed to predict the effect of missense changes on protein structure and function (SIFT, PolyPhen-2, Align-GVGD) all suggest that this variant is likely to be disruptive, but these predictions have not been confirmed by published functional studies and their clinical significance is uncertain. In summary, the available evidence is currently insufficient to determine the role of this variant in disease. Therefore, it has been classified as a Variant of Uncertain Significance.

NM_005430.4(WNT1):c.980T>G (p.Leu327Arg)

Gene: WNT1 (Wnt family member 1; plus strand). Cytogenetic location: 12q13.12.
Variant type: single nucleotide variant.
Coding change: c.980T>G on transcript NM_005430.4 (MANE Select); coding-DNA position 980, T replaced by G.
Protein change: p.Leu327Arg; replaces leucine 327 with arginine.
Molecular consequence: missense variant.
Genome position (GRCh38, 1-based): chr12:48,981,507, T>G. VCF-style: chr12-48981507-T-G. GRCh37 (hg19) VCF-style: chr12-49375290-T-G.
Other names: c.980T>G (NM_005430.3); short protein forms L327R.
Identifiers: ClinVar variation 1367079 (VCV001367079.9), dbSNP rs1227646126, ClinGen allele CA384637848.
Genomic context (GRCh38, chr12:48,981,507, plus strand): 5'-CAGCAGGCACGGCAGGGCGCGCCTGTAACAGCTCGTCGCCCGCGCTGGACGGCTGCGAGC[T>G]GCTCTGCTGCGGCAGGGGCCACCGCACGCGCACGCAGCGCGTCACCGAGCGCTGCAACTG-3'
Protein context (NP_005421.1, residues 317-337): SSSPALDGCE[Leu327Arg]LCCGRGHRTR